The following is an entry in ClinVar:

NM_201548.5(CERKL):c.1449GGA[5] (p.Glu486dup)

Gene: CERKL (CERK like autophagy regulator; minus strand). Cytogenetic location: 2q31.3.
Variant type: Microsatellite.
Coding change: c.1449GGA[5] on transcript NM_201548.5 (MANE Select); five copies in a row of the 3-base unit GGA starting at c.1449; the reference has four copies in a row; one copy, 3 bases duplicated.
Protein change: p.Glu486dup; duplicates glutamic acid 486.
Molecular consequence: inframe insertion. On other transcripts: non-coding transcript variant (2).
Genome position (GRCh38, 1-based): chr2:181,539,170-181,539,172, TCC duplicated on the plus strand (GGA on the coding strand, the reverse complement: CERKL is on the minus strand); duplicating any 3 consecutive bases within chr2:181,539,170-181,539,183 gives the same sequence; the position shown is the placement nearest the transcript's 3' end. VCF-style (leftmost placement, unchanged base first): chr2-181539169-A-ATCC. GRCh37 (hg19) VCF-style: chr2-182403896-A-ATCC.
Other names: c.1527GGA[5], p.Glu512dup (NM_001030311.3); c.1110GGA[5], p.Glu373dup (NM_001030312.3); c.1242GGA[5], p.Glu417dup (NM_001030313.3); c.1395GGA[5], p.Glu468dup (NM_001160277.2); c.1536_1538dup (NM_001030311.3).
Identifiers: ClinVar variation 1004145 (VCV001004145.8), dbSNP rs750109553, ClinGen allele CA2010420.
Genomic context (GRCh38, chr2:181,539,169, plus strand): 5'-TGCAACTTCCATTAAGTCACCATCTACATTCCAAGGGAAACAATTTTCTGAAGCAGTTTC[A>ATCC]TCCTCCTCCTCCTCTGGATTATATCCACCAGTATTATTCCTTGGATGAACTTTTACTTCC-3'

ClinVar aggregate classification (germline): Uncertain significance. Review status: criteria provided, multiple submitters, no conflicts (2 of 4 stars). 3 submissions from 3 submitters: Uncertain significance (2). 1 of the submissions does not count toward it. Last evaluated 2022-09-06.

Conditions:
Retinitis pigmentosa 26 (RP26). Identifiers: Orphanet 791, MedGen C1842127, MONDO:0012024, OMIM 608380.

Submissions (3):

Blueprint Genetics
Classification: Uncertain significance. Last evaluated: 2022-09-06. Review status: criteria provided, single submitter. Criteria: ACMG Guidelines, 2015. Collection method: clinical testing. Allele origin: germline.

Labcorp Genetics (formerly Invitae), Labcorp
Classification: Uncertain significance. Last evaluated: 2021-08-28. Review status: criteria provided, single submitter. Criteria: Invitae Variant Classification Sherloc (09022015). Collection method: clinical testing. Allele origin: germline.
Comment: This variant, c.1536_1538dup, results in the insertion of 1 amino acid(s) to the CERKL protein (p.Glu512dup), but otherwise preserves the integrity of the reading frame. This variant is present in population databases (rs757944925, ExAC 0.001%). This variant has not been reported in the literature in individuals affected with CERKL-related conditions. Experimental studies and prediction algorithms are not available or were not evaluated, and the functional significance of this variant is currently unknown. In summary, the available evidence is currently insufficient to determine the role of this variant in disease. Therefore, it has been classified as a Variant of Uncertain Significance.

Natera, Inc.
Classification: Uncertain significance for Retinitis Pigmentosa 26. Last evaluated: 2020-01-17. Review status: no assertion criteria provided. Collection method: clinical testing. Allele origin: germline. Not counted in ClinVar's aggregate classification.